The following is an entry in ClinVar:

ClinVar aggregate classification (germline): Uncertain significance. Review status: criteria provided, multiple submitters, no conflicts (2 of 4 stars). 2 submissions from 2 submitters: Uncertain significance (2). Last evaluated 2026-01-13.

Conditions:
RPS7-related disorder. Also called: RPS7-related condition.
Diamond-Blackfan anemia 8 (DBA8). Also called: RPS7-Related Diamond-Blackfan Anemia. Identifiers: Orphanet 124, MedGen C2675511, MONDO:0012939, OMIM 612563.

Submissions (2):

PreventionGenetics, part of Exact Sciences
Classification: Uncertain significance for RPS7-related condition. Last evaluated: 2026-01-13. Review status: criteria provided, single submitter. Criteria: ACMG Guidelines, 2015. Collection method: clinical testing. Allele origin: germline.
Comment: The RPS7 c.508-9_508-5del5 variant is predicted to result in an intronic deletion. This variant is predicted to alter splicing based on available splicing prediction programs (SpliceAI, Jaganathan et al. 2019. PubMed ID: 30661751. However, the use of computer prediction programs is not equivalent to functional evidence. To our knowledge, this variant has not been reported in the literature or in a large population database (gnomAD), indicating this variant is rare. At this time, the clinical significance of this variant is uncertain due to the absence of conclusive functional and genetic evidence.

Labcorp Genetics (formerly Invitae), Labcorp
Classification: Uncertain significance for Diamond-Blackfan anemia 8. Last evaluated: 2022-05-24. Review status: criteria provided, single submitter. Criteria: Invitae Variant Classification Sherloc (09022015). Collection method: clinical testing. Allele origin: germline.
Comment: In summary, the available evidence is currently insufficient to determine the role of this variant in disease. Therefore, it has been classified as a Variant of Uncertain Significance. Algorithms developed to predict the effect of sequence changes on RNA splicing suggest that this variant may disrupt the consensus splice site. This variant has not been reported in the literature in individuals affected with RPS7-related conditions. This variant is not present in population databases (gnomAD no frequency). This sequence change falls in intron 6 of the RPS7 gene. It does not directly change the encoded amino acid sequence of the RPS7 protein.

NM_001011.4(RPS7):c.508-9_508-5del

Gene: RPS7 (ribosomal protein S7; plus strand). Cytogenetic location: 2p25.3.
Variant type: Microsatellite.
Coding change: c.508-9_508-5del on transcript NM_001011.4 (MANE Select); 9 bases into the intron before coding-DNA position 508 through 5 bases into the intron before coding-DNA position 508, 5 bases deleted (TTCTT; older notation c.508-9_508-5delTTCTT).
Molecular consequence: intron variant.
Genome position (GRCh38, 1-based): chr2:3,580,796-3,580,800, TTCTT deleted; deleting any 5 consecutive bases within chr2:3,580,790-3,580,800 gives the same sequence; the c. name uses the placement nearest the transcript's 3' end. VCF-style (leftmost placement, unchanged base first): chr2-3580789-CTTTCT-C. GRCh37 (hg19) VCF-style: chr2-3628379-CTTTCT-C.
Other names: c.508-9_508-5del5 (NM_001011.3).
Identifiers: ClinVar variation 1911980 (VCV001911980.6), dbSNP rs1661389573, ClinGen allele CA1234622788.